The following is an entry in ClinVar:

NM_001035.3(RYR2):c.6895C>G (p.Leu2299Val)

Gene: RYR2 (ryanodine receptor 2; plus strand). Cytogenetic location: 1q43.
Variant type: single nucleotide variant.
Coding change: c.6895C>G on transcript NM_001035.3 (MANE Select); coding-DNA position 6895, C replaced by G.
Protein change: p.Leu2299Val; replaces leucine 2299 with valine.
Molecular consequence: missense variant.
Genome position (GRCh38, 1-based): chr1:237,638,459, C>G. VCF-style: chr1-237638459-C-G. GRCh37 (hg19) VCF-style: chr1-237801759-C-G.
Other names: short protein forms L2299V.
Identifiers: ClinVar variation 1331826 (VCV001331826.11), dbSNP rs2148724365, ClinGen allele CA345395640.

ClinVar aggregate classification (germline): Uncertain significance. Review status: criteria provided, multiple submitters, no conflicts (2 of 4 stars). 3 submissions from 3 submitters: Uncertain significance (3). Last evaluated 2024-12-20.

Conditions:
Cardiomyopathy (CMYO). Also called: Cardiomyopathies. Identifiers: Orphanet 167848, MedGen C0878544, MONDO:0004994, HP:0001638. Inheritance: Various modes of inheritance.
RYR2-related disorder. Also called: RYR2-related condition.
Catecholaminergic polymorphic ventricular tachycardia 1. Also called: VENTRICULAR TACHYCARDIA, CATECHOLAMINERGIC POLYMORPHIC, 1, WITH OR WITHOUT ATRIAL DYSFUNCTION AND/OR DILATED CARDIOMYOPATHY; VENTRICULAR TACHYCARDIA, STRESS-INDUCED POLYMORPHIC 1; RYR2-Related Catecholaminergic Polymorphic Ventricular Tachycardia. Identifiers: Orphanet 3286, MedGen C1631597, MONDO:0011484, OMIM 604772.

Submissions (3):

3billion
Classification: Uncertain significance for RYR2-related disorder. Last evaluated: 2024-12-20. Review status: criteria provided, single submitter. Criteria: ACMG Guidelines, 2015. Collection method: clinical testing. Allele origin: germline. Affected: yes.
Comment: The variant is not observed in the gnomAD v4.1.0 dataset. Predicted Consequence/Location: Missense variant. Missense changes are a common disease-causing mechanism. In silico tool predictions suggest damaging effect of the variant on gene or gene product [REVEL: 0.74 (>=0.6, sensitivity 0.68 and specificity 0.92); 3Cnet: 0.87 (>=0.6, sensitivity 0.72 and precision 0.9)]. The variant has been reported as of uncertain significance (ClinVar ID: VCV001331826). Therefore, this variant is classified as VUS according to the recommendation of ACMG/AMP guideline.

Color Diagnostics, LLC DBA Color Health
Classification: Uncertain significance for Cardiomyopathy. Last evaluated: 2024-03-06. Review status: criteria provided, single submitter. Criteria: ACMG Guidelines, 2015. Collection method: clinical testing. Allele origin: germline.
Comment: This missense variant replaces leucine with valine at codon 2299 of the RYR2 protein. Computational prediction suggests that this variant may have deleterious impact on protein structure and function (internally defined REVEL score threshold >= 0.7, PMID: 27666373). To our knowledge, functional studies have not been reported for this variant. This variant has not been reported in individuals affected with cardiovascular disorders in the literature. This variant has not been identified in the general population by the Genome Aggregation Database (gnomAD). The available evidence is insufficient to determine the role of this variant in disease conclusively. Therefore, this variant is classified as a Variant of Uncertain Significance.

Labcorp Genetics (formerly Invitae), Labcorp
Classification: Uncertain significance for Catecholaminergic polymorphic ventricular tachycardia 1. Last evaluated: 2022-08-23. Review status: criteria provided, single submitter. Criteria: Invitae Variant Classification Sherloc (09022015). Collection method: clinical testing. Allele origin: germline.
Comment: This sequence change replaces leucine, which is neutral and non-polar, with valine, which is neutral and non-polar, at codon 2299 of the RYR2 protein (p.Leu2299Val). This variant is not present in population databases (gnomAD no frequency). This variant has not been reported in the literature in individuals affected with RYR2-related conditions. ClinVar contains an entry for this variant (Variation ID: 1331826). Advanced modeling of protein sequence and biophysical properties (such as structural, functional, and spatial information, amino acid conservation, physicochemical variation, residue mobility, and thermodynamic stability) performed at Invitae indicates that this missense variant is expected to disrupt RYR2 protein function. In summary, the available evidence is currently insufficient to determine the role of this variant in disease. Therefore, it has been classified as a Variant of Uncertain Significance.